The following is an entry in ClinVar:

ClinVar aggregate classification (germline): Uncertain significance (1 of 4 stars; one submission).

Conditions:
Kabuki syndrome 1 (KABUK1). Also called: KMT2D-Related Kabuki Syndrome. Identifiers: Orphanet 2322, MedGen CN030661, MONDO:0007843, OMIM 147920.

Submission:

3billion
Classification: Uncertain significance for Kabuki syndrome 1. Last evaluated: 2024-07-01. Review status: criteria provided, single submitter. Criteria: ACMG Guidelines, 2015. Collection method: clinical testing. Allele origin: germline. Affected: yes.
Comment: The variant is not observed in the gnomAD v4.0.0 dataset. Predicted Consequence/Location: Inframe deletion located in a nonrepeat region: predicted to change the length of the protein and disrupt normal protein function. Therefore, this variant is classified as VUS according to the recommendation of ACMG/AMP guideline.

NM_003482.4(KMT2D):c.11268_11276del (p.Gln3757_Gln3759del)

Gene: KMT2D (lysine methyltransferase 2D; minus strand). Cytogenetic location: 12q13.12.
Variant type: Deletion.
Coding change: c.11268_11276del on transcript NM_003482.4 (MANE Select); coding-DNA positions 11268 to 11276, 9 bases deleted (ACAGCAGCA; older notation c.11268_11276delACAGCAGCA).
Protein change: p.Gln3757_Gln3759del.
Molecular consequence: inframe deletion.
Genome position (GRCh38, 1-based): chr12:49,033,429-49,033,437, TGCTGCTGT deleted on the plus strand (ACAGCAGCA on the coding strand, the reverse complement: KMT2D is on the minus strand); deleting any 9 consecutive bases within chr12:49,033,429-49,033,445 gives the same sequence; the c. name uses the placement nearest the transcript's 3' end. VCF-style (leftmost placement, unchanged base first): chr12-49033428-CTGCTGCTGT-C. GRCh37 (hg19) VCF-style: chr12-49427211-CTGCTGCTGT-C.
Identifiers: ClinVar variation 4293237 (VCV004293237.1).